The following is an entry in ClinVar:

NM_000543.5(SMPD1):c.573del (p.Ser192fs)

Gene: SMPD1 (sphingomyelin phosphodiesterase 1; plus strand). Cytogenetic location: 11p15.4.
Variant type: Deletion.
Coding change: c.573del on transcript NM_000543.5 (MANE Select); coding-DNA position 573, one base deleted (T; older notation c.573delT).
Protein change: p.Ser192fs; shifts the reading frame from serine 192.
Molecular consequence: frameshift variant. On other transcripts: 5 prime UTR variant (1), non-coding transcript variant (1).
Genome position (GRCh38, 1-based): chr11:6,391,638, T deleted. VCF-style (leftmost placement, unchanged base first): chr11-6391637-CT-C. GRCh37 (hg19) VCF-style: chr11-6412867-CT-C.
Other names: c.573del (NM_000543.4); c.570del, p.Ser191fs (NM_001007593.3); c.573del, p.Ser192fs (NM_001318087.2, NM_001365135.2); c.-389del (NM_001318088.2); short protein forms S191fs, S192fs.
Identifiers: ClinVar variation 167710 (VCV000167710.56), dbSNP rs727504167, ClinGen allele CA234968.

ClinVar aggregate classification (germline): Pathogenic. Review status: criteria provided, multiple submitters, no conflicts (2 of 4 stars). 13 submissions from 13 submitters: Pathogenic (12). 1 of the submissions does not count toward it. Last evaluated 2025-05-29.

Conditions:
SMPD1-related disorder. Also called: SMPD1-related condition.
Niemann-Pick disease, type B. Also called: Chronic Visceral ASMD (Niemann-Pick Disease Type B; NPD-B). Identifiers: Orphanet 77293, MedGen C0268243, MONDO:0011871, OMIM 607616. Disease mechanism: loss of function.
Niemann-Pick disease, type A. Also called: Infantile Neurovisceral ASMD (Niemann-Pick Disease Type A; NPD-A); SPHINGOMYELIN LIPIDOSIS; SPHINGOMYELINASE DEFICIENCY. Identifiers: Orphanet 77292, MedGen C0268242, MONDO:0009756, OMIM 257200. Disease mechanism: loss of function.
Sphingomyelin/cholesterol lipidosis. Also called: Niemann-Pick disease. Identifiers: MedGen C0028064, MONDO:0001982.

Allele frequency attached by ClinVar (database versions not stated): gnomAD 0.00001.

Submissions (13):

Natera, Inc.
Classification: Pathogenic for Niemann-Pick Disease, Types A/B. Last evaluated: 2025-05-29. Review status: criteria provided, single submitter. Criteria: Natera Variant Classification Schema (03/2026). Collection method: clinical testing. Allele origin: germline.
Comment: The c.573delT variant in SMPD1 is a frameshift variant predicted to shift the reading frame beginning at codon 192 and leads to a stop codon 65 codons downstream. This variant is expected to result in nonsense mediated decay, truncation, or a dysfunctional protein product. This variant is rare in the general population with a frequency below the threshold expected for the associated phenotype(s). This variant has been observed in one or more individuals affected with the associated recessive disease, as either homozygous or compound heterozygous with a second variant (PMID: 25811928, 23618813). Given the available evidence, this variant is classified as Pathogenic.

PreventionGenetics, part of Exact Sciences
Classification: Pathogenic for SMPD1-related condition. Last evaluated: 2025-05-21. Review status: criteria provided, single submitter. Criteria: ACMG Guidelines, 2015. Collection method: clinical testing. Allele origin: germline.
Comment: The SMPD1 c.573delT variant is predicted to result in a frameshift and premature protein termination (p.Ser192Alafs*65). This variant has been reported in homozygous and compound heterozygous states in several individuals with Niemann-Pick disease (Gluck et al 1997. PubMed ID: 10694919; Dalal et al. 2015. PubMed ID: 26913189; Nasereddin et al. 2018. PubMed ID: 30223864; Al-Eitan et al. 2020. PubMed ID: 32311413). This variant is reported in 0.0018% of alleles in individuals of European (Non-Finnish) descent in gnomAD. Frameshift variants in SMPD1 are expected to be pathogenic. This variant is interpreted as pathogenic.

Blueprint Genetics
Classification: Pathogenic for SMPD1-related disorders. Last evaluated: 2024-10-17. Review status: criteria provided, single submitter. Criteria: ACMG Guidelines, 2015. Collection method: clinical testing. Allele origin: germline. Affected: yes. Observed: 4 variant alleles.

Labcorp Genetics (formerly Invitae), Labcorp
Classification: Pathogenic for Niemann-Pick disease, type B; Niemann-Pick disease, type A. Last evaluated: 2024-09-30. Review status: criteria provided, single submitter. Criteria: Invitae Variant Classification Sherloc (09022015). Collection method: clinical testing. Allele origin: germline.
Comment: This sequence change creates a premature translational stop signal (p.Ser192Alafs*65) in the SMPD1 gene. It is expected to result in an absent or disrupted protein product. Loss-of-function variants in SMPD1 are known to be pathogenic (PMID: 12369017, 15221801). The frequency data for this variant in the population databases is considered unreliable, as metrics indicate poor data quality at this position in the gnomAD database. This premature translational stop signal has been observed in individuals with Niemann-Pick disease (PMID: 10694919, 20386867, 25811928, 26913189). This variant is also known as c.677delT. ClinVar contains an entry for this variant (Variation ID: 167710). For these reasons, this variant has been classified as Pathogenic.

Fulgent Genetics
Classification: Pathogenic for Niemann-Pick disease, type A; Niemann-Pick disease, type B. Last evaluated: 2024-03-15. Review status: criteria provided, single submitter. Criteria: ACMG Guidelines, 2015. Collection method: clinical testing. Allele origin: germline.

Baylor Genetics
Classification: Pathogenic for Niemann-Pick disease, type A. Last evaluated: 2024-01-31. Review status: criteria provided, single submitter. Criteria: ACMG Guidelines, 2015. Collection method: clinical testing. Allele origin: unknown.

CeGaT Center for Human Genetics Tuebingen
Classification: Pathogenic. Last evaluated: 2023-09-01. Review status: criteria provided, single submitter. Criteria: CeGaT Center For Human Genetics Tuebingen Variant Classification Criteria Version 2. Collection method: clinical testing. Allele origin: germline. Affected: yes. Observed: 1 variant allele.
Comment: SMPD1: PVS1, PM3:Strong, PM2, PP4:Moderate

Institute of Medical Genetics and Applied Genomics, University Hospital Tübingen
Classification: Pathogenic. Last evaluated: 2020-10-23. Review status: criteria provided, single submitter. Criteria: ACMG Guidelines, 2015. Collection method: clinical testing. Allele origin: germline. Inheritance: Autosomal recessive inheritance. Affected: yes.

Broad Center for Mendelian Genomics, Broad Institute of MIT and Harvard
Classification: Pathogenic for Sphingomyelin/cholesterol lipidosis. Last evaluated: 2020-01-22. Review status: criteria provided, single submitter. Criteria: ACMG Guidelines, 2015. Collection method: curation. Allele origin: germline. Inheritance: Autosomal recessive inheritance.
Comment: The p.Ser192AlafsTer65 variant in SMPD1 (also known as p.Ser190AlafsTer65 due to a difference in cDNA numbering) has been reported in at least 12 individuals with Niemann-Pick disease (PMID: 15241805, 15221801, 26913189, 26499107), but data from large population studies is insufficient to assess the frequency of this variant. This variant has also been reported in ClinVar (VariationID: 167710) as pathogenic by EGL Genetic Diagnostics, Integrated Genetics, Counsyl, and Illumina Clinical Services Laboratory. This variant is predicted to cause a frameshift, which alters the protein's amino acid sequence beginning at position 192 and leads to a premature termination codon 65 amino acids downstream. Loss of function of the SMPD1 gene is an established disease mechanism in autosomal recessive Niemann-Pick disease. The presence of this variant in 8 affected homozygotes and in combination with a reported pathogenic variant and in an individual with Niemann-Pick disease increases the likelihood that the p.Ser192Alafs variant is pathogenic (VariationID: 188840; PMID: 15241805, 15221801). The phenotype of an individual compound heterozygous for this variant is highly specific for Niemann-Pick disease based on acid sphingomyelinase activity being <10% of normal, consistent with disease (PMID: 26913189). In summary, this variant meets criteria to be classified as pathogenic for Niemann-Pick disease in an autosomal recessive manner based on the prediction that it will cause loss of function, the presence of the variant in affected homozygotes and compound heterozygous, and the phenotype of individuals with the variant being highly specific for disease. ACMG/AMP Criteria applied: PVS1, PM3, PP4 (Richards 2015).

Illumina Laboratory Services, Illumina
Classification: Pathogenic for Niemann-Pick disease, type A. Last evaluated: 2017-07-18. Review status: criteria provided, single submitter. Criteria: ICSL Variant Classification Criteria 09 May 2019. Collection method: clinical testing. Allele origin: germline.
Comment: The SMPD1 c.573delT (p.Ser192AlafsTer65) variant (also reported as 677delT; c.567delT; p.P189fs; fsP189) results in a frameshift and is predicted to result in premature termination of the protein. Across a selection of the available literature, the p.Ser192AlafsTer65 variant has been identified in a total of 26 individuals with acid sphingomyelinase deficiency including 20 homozygotes and one compound heterozygote with Niemann-Pick disease type A and five compound heterozygotes with Niemann-Pick disease type B, (Gluck et al. 1998; Ricci et al. 2004; Pittis et al. 2004; Desnick et al. 2010; Oyama et al. 2012; Dalal et al. 2015; Zampieri et al. 2016). Twelve of the homozygous patients are of Israeli Arab ethnicity from the lower Galilee and Samaria region, an area where consanguinity is common although none of these families were noted as consanguineous. The other eight homozygous patients, as well as at least one of the compound heterozygous patients are from Southern Italy, where it has been suggested the population is genetically similar to the Middle East. The second variant found in the compound heterozygous patients was either a missense variant (four individuals), a nonsense variant (one individual) or a frameshift variant (one individual). Two of the compound heterozygous individuals were noted to have 11% and 21.7% residual enzyme activity compared to wild type respectively (Pittis et al. 2004; Desnick et al. 2010). The p.Ser192AlafsTer65variant was absent from 50 healthy Italian controls and is not found in the 1000 Genomes Project, the Exome Sequencing Project, Exome Aggregation Consortium or the Genome Aggregation Database. Based on the evidence from the literature and the potential impact of frameshift variants, the p.Ser192AlafsTer65 variant is classified as pathogenic for SMPD1-Related Disorders. This variant was observed by ICSL as part of a predisposition screen in an ostensibly healthy population.

Women's Health and Genetics/Laboratory Corporation of America, LabCorp
Classification: Pathogenic for Niemann-Pick disease, type A. Last evaluated: 2017-05-29. Review status: criteria provided, single submitter. Criteria: LabCorp Variant Classification Summary - May 2015. Collection method: clinical testing. Allele origin: germline.
Comment: Variant summary: The SMPD1 c.573delT (p.Ser192Alafs) variant (alternatively also known as 667delA and 567delA) results in a premature termination codon, predicted to cause a truncated or absent SMPD1 protein due to nonsense mediated decay, which are commonly known mechanisms for disease. Truncations downstream of this position have been classified as pathogenic/likely pathogenic by our laboratory (e.g. c.996delC, c.1785_1786delCC, etc.). This variant is absent from 23568 control chromosomes from ExAC. This variant has been reported in several patients with Niemann-Pick disease (NPD). In homozygous state and in compound heterozygous with other severe mutations, it is found to cause type 1 NPD. It was found to be a common pathogenic variant in Israeli Arabs and Turkish patient population (Gluck_1998, Aykut_2013). On clinical laboratory in ClinVar has classified it as pathogenic. Taken together, this variant is classified as pathogenic.

Eurofins Ntd Llc (ga)
Classification: Pathogenic. Last evaluated: 2013-11-25. Review status: criteria provided, single submitter. Criteria: EGL Classification Definitions. Collection method: clinical testing. Allele origin: germline. Observed: 3 variant alleles, 3 heterozygotes.

Counsyl
Classification: Pathogenic for Niemann-Pick disease, type B. Last evaluated: 2018-01-09. Review status: no assertion criteria provided. Collection method: clinical testing. Allele origin: unknown. Not counted in ClinVar's aggregate classification.

Literature cited by the submitters: PubMed 25811928 (cited by Natera, Inc. and Labcorp Genetics (formerly Invitae), Labcorp); PubMed 23618813 (cited by Natera, Inc.); PubMed 12369017 (cited by Labcorp Genetics (formerly Invitae), Labcorp); PubMed 15221801 (cited by 3 submitters); PubMed 10694919 (cited by Labcorp Genetics (formerly Invitae), Labcorp and Illumina Laboratory Services, Illumina); PubMed 20386867 (cited by 3 submitters); PubMed 26913189 (cited by 4 submitters); PubMed 26499107 (cited by 3 submitters); PubMed 15241805 (cited by Broad Center for Mendelian Genomics, Broad Institute of MIT and Harvard and Illumina Laboratory Services, Illumina).